The following is an entry in ClinVar:

ClinVar aggregate classification (germline): Uncertain significance (1 of 4 stars; one submission).

Allele frequency attached by ClinVar (database versions not stated): ESP Exome Variant Server 0.00038; gnomAD exomes 0.00042 and 0.00058; TOPMed 0.00030; gnomAD 0.00033 and 0.00030; ExAC 0.00055.
gnomAD v4.1: 893 of 1,611,042 alleles (0.055%); highest among the groups gnomAD compares: Non-Finnish European, 0.069%; no homozygotes.

Submission:

Genetic Services Laboratory, University of Chicago
Classification: Uncertain significance. Last evaluated: 2025-11-14. Review status: criteria provided, single submitter. Criteria: ACMG Guidelines, 2015. Collection method: clinical testing. Allele origin: germline.
Comment: DNA sequence analysis of the RBBP6 gene demonstrated a sequence change, c.4547G>A, in exon 18 that results in an amino acid change, p.Arg1516Lys. This sequence change has been described in the gnomAD database with a frequency of 0.077% in the non-Finnish European subpopulation (dbSNP rs139299941). The p.Arg1516Lys change affects a highly conserved amino acid residue located in a domain of the RBBP6 protein that is not known to be functional. The p.Arg1516Lys substitution appears to be benign using several in-silico pathogenicity prediction tools (SIFT, PolyPhen2, Align GVGD, REVEL). This sequence change does not appear to have been previously described in individuals with RBBP6-related disorders. Due to insufficient evidence and the lack of functional studies, the clinical significance of the p.Arg1516Lys change remains unknown at this time.

NM_006910.5(RBBP6):c.4547G>A (p.Arg1516Lys)

Gene: RBBP6 (RB binding protein 6, ubiquitin ligase; plus strand). Cytogenetic location: 16p12.1.
Variant type: single nucleotide variant.
Coding change: c.4547G>A on transcript NM_006910.5 (MANE Select); coding-DNA position 4547, G replaced by A.
Protein change: p.Arg1516Lys; replaces arginine 1516 with lysine.
Molecular consequence: missense variant.
Genome position (GRCh38, 1-based): chr16:24,571,613, G>A. VCF-style: chr16-24571613-G-A. GRCh37 (hg19) VCF-style: chr16-24582934-G-A.
Other names: c.4445G>A, p.Arg1482Lys (NM_018703.4); short protein forms R1482K, R1516K.
Identifiers: ClinVar variation 1337541 (VCV001337541.5), dbSNP rs139299941, ClinGen allele CA7967977.